The following is an entry in ClinVar:

ClinVar aggregate classification (germline): Uncertain significance (1 of 4 stars; one submission).

Submission:

GeneDx
Classification: Uncertain significance. Last evaluated: 2021-04-09. Review status: criteria provided, single submitter. Criteria: GeneDx Variant Classification Process June 2021. Collection method: clinical testing. Allele origin: germline. Affected: yes.
Comment: Not observed in large population cohorts (Lek et al., 2016); In silico analysis supports that this missense variant does not alter protein structure/function; Has not been previously published as pathogenic or benign to our knowledge

NM_000188.3(HK1):c.841A>C (p.Ile281Leu)

Gene: HK1 (hexokinase 1; plus strand). Cytogenetic location: 10q22.1.
Variant type: single nucleotide variant.
Coding change: c.841A>C on transcript NM_000188.3 (MANE Select); coding-DNA position 841, A replaced by C.
Protein change: p.Ile281Leu; replaces isoleucine 281 with leucine.
Molecular consequence: missense variant.
Genome position (GRCh38, 1-based): chr10:69,369,590, A>C. VCF-style: chr10-69369590-A-C. GRCh37 (hg19) VCF-style: chr10-71129346-A-C.
Other names: c.853A>C, p.Ile285Leu (NM_001322364.2, NM_001358263.1, NM_033497.3 and 1 more transcripts); c.946A>C, p.Ile316Leu (NM_001322365.2); c.757A>C, p.Ile253Leu (NM_001322366.1); c.745A>C, p.Ile249Leu (NM_001322367.1); c.838A>C, p.Ile280Leu (NM_033496.3); c.805A>C, p.Ile269Leu (NM_033500.2); short protein forms I249L, I253L, I269L, I280L, I281L, I285L, I316L.
Identifiers: ClinVar variation 1314400 (VCV001314400.2), dbSNP rs2132816996, ClinGen allele CA376914423.